The following is an entry in ClinVar:

NM_182916.3(TRNT1):c.1A>G (p.Met1Val)

Gene: TRNT1 (tRNA nucleotidyl transferase 1; plus strand). Cytogenetic location: 3p26.2.
Variant type: single nucleotide variant.
Coding change: c.1A>G on transcript NM_182916.3 (MANE Select); coding-DNA position 1, A replaced by G.
Protein change: p.Met1Val; changes the start codon (methionine 1).
Molecular consequence: missense variant, initiator codon variant. On other transcripts: non-coding transcript variant (11).
Genome position (GRCh38, 1-based): chr3:3,129,041, A>G. VCF-style: chr3-3129041-A-G. GRCh37 (hg19) VCF-style: chr3-3170725-A-G.
Other names: c.1A>G, p.Met1Val (NM_001302946.2, NM_001367321.1, NM_001367322.1 and 1 more transcripts); short protein forms M1V.
Identifiers: ClinVar variation 1378892 (VCV001378892.5), dbSNP rs779568831, ClinGen allele CA2228488.

ClinVar aggregate classification (germline): Uncertain significance (1 of 4 stars; one submission).

Conditions:
Congenital sideroblastic anemia-B-cell immunodeficiency-periodic fever-developmental delay syndrome. Also called: Sideroblastic anemia with B-cell immunodeficiency, periodic fevers, and developmental delay. Identifiers: Orphanet 369861, MedGen C4015172, MONDO:0014487, OMIM 616084.

Allele frequency attached by ClinVar (database versions not stated): TOPMed below 0.00001; ExAC 0.00001; gnomAD exomes 0.00001.

Submission:

Labcorp Genetics (formerly Invitae), Labcorp
Classification: Uncertain significance for Congenital sideroblastic anemia-B-cell immunodeficiency-periodic fever-developmental delay syndrome. Last evaluated: 2021-10-14. Review status: criteria provided, single submitter. Criteria: Invitae Variant Classification Sherloc (09022015). Collection method: clinical testing. Allele origin: germline.
Comment: This sequence change affects the initiator methionine of the TRNT1 mRNA. The next in-frame methionine is located at codon 30. This variant is present in population databases (rs779568831, ExAC 0.006%). This variant has not been reported in the literature in individuals affected with TRNT1-related conditions. Algorithms developed to predict the effect of sequence changes on RNA splicing suggest that this variant may create or strengthen a splice site. In summary, the available evidence is currently insufficient to determine the role of this variant in disease. Therefore, it has been classified as a Variant of Uncertain Significance.